The following is an entry in ClinVar:

NM_052867.4(NALCN):c.1013C>T (p.Ser338Leu)

Gene: NALCN (sodium leak channel, non-selective; minus strand). Cytogenetic location: 13q33.1.
Variant type: single nucleotide variant.
Coding change: c.1013C>T on transcript NM_052867.4 (MANE Select); coding-DNA position 1013, C replaced by T.
Protein change: p.Ser338Leu; replaces serine 338 with leucine.
Molecular consequence: missense variant.
Genome position (GRCh38, 1-based): chr13:101,292,024, G>A on the plus strand (C>T on the coding strand, the complement: NALCN is on the minus strand). VCF-style: chr13-101292024-G-A. GRCh37 (hg19) VCF-style: chr13-101944375-G-A.
Other names: c.1013C>T, p.Ser338Leu (NM_001350748.2, NM_001350749.2, NM_001350750.2 and 1 more transcripts); short protein forms S338L.
Identifiers: ClinVar variation 1804284 (VCV001804284.5), dbSNP rs773688637, ClinGen allele CA7036345.
Genomic context (GRCh38, chr13:101,292,024, plus strand): 5'-ATAACATCCTCTTGCTGATAGCGTACCTGGGTGGTGGCTGTTGAGGTAGTGCTGCTTCTC[G>A]ATCCCCACATTTGTTGAAACTGTACTCTGATTTCTGCAAATGTTTCAATGATAACAGCAA-3'
Protein context (NP_443099.1, residues 328-348): IRVQFQQMWG[Ser338Leu]RSSTTSTATT

ClinVar aggregate classification (germline): Uncertain significance. Review status: criteria provided, multiple submitters, no conflicts (2 of 4 stars). 3 submissions from 3 submitters: Uncertain significance (3). Last evaluated 2025-03-20.

Conditions:
Inborn genetic diseases. Identifiers: MedGen C0950123, MeSH D030342.

Allele frequency attached by ClinVar (database versions not stated): ExAC 0.00001; gnomAD exomes 0.00001.
gnomAD v4.1: 3 of 1,613,952 alleles (0.00019%); highest among the groups gnomAD compares: South Asian, 0.0011%; no homozygotes.

Submissions (3):

Ambry Genetics
Classification: Uncertain significance for Inborn genetic diseases. Last evaluated: 2025-03-20. Review status: criteria provided, single submitter. Criteria: Ambry Variant Classification Scheme 2023. Collection method: clinical testing. Allele origin: germline.

Labcorp Genetics (formerly Invitae), Labcorp
Classification: Uncertain significance. Last evaluated: 2023-06-23. Review status: criteria provided, single submitter. Criteria: Invitae Variant Classification Sherloc (09022015). Collection method: clinical testing. Allele origin: germline.
Comment: In summary, the available evidence is currently insufficient to determine the role of this variant in disease. Therefore, it has been classified as a Variant of Uncertain Significance. Advanced modeling of protein sequence and biophysical properties (such as structural, functional, and spatial information, amino acid conservation, physicochemical variation, residue mobility, and thermodynamic stability) performed at Invitae indicates that this missense variant is not expected to disrupt NALCN protein function. ClinVar contains an entry for this variant (Variation ID: 1804284). This variant has not been reported in the literature in individuals affected with NALCN-related conditions. This variant is present in population databases (rs773688637, gnomAD 0.01%). This sequence change replaces serine, which is neutral and polar, with leucine, which is neutral and non-polar, at codon 338 of the NALCN protein (p.Ser338Leu).

GeneDx
Classification: Uncertain significance. Last evaluated: 2022-06-13. Review status: criteria provided, single submitter. Criteria: GeneDx Variant Classification Process June 2021. Collection method: clinical testing. Allele origin: germline. Affected: yes.
Comment: In silico analysis supports that this missense variant does not alter protein structure/function; Has not been previously published as pathogenic or benign to our knowledge